The following is an entry in ClinVar:

ClinVar aggregate classification (germline): Uncertain significance. Review status: criteria provided, multiple submitters, no conflicts (2 of 4 stars). 2 submissions from 2 submitters: Uncertain significance (2). Last evaluated 2024-02-29.

Conditions:
Cystic fibrosis (CF). Also called: MUCOVISCIDOSIS. Identifiers: Orphanet 586, MedGen C0010674, MONDO:0009061, OMIM 219700. Disease mechanism: loss of function.

Submissions (2):

Ambry Genetics
Classification: Uncertain significance for Cystic fibrosis. Last evaluated: 2024-02-29. Review status: criteria provided, single submitter. Criteria: Ambry Variant Classification Scheme 2023. Collection method: clinical testing. Allele origin: germline.
Comment: The p.E692D variant (also known as c.2076G>C), located in coding exon 14 of the CFTR gene, results from a G to C substitution at nucleotide position 2076. The glutamic acid at codon 692 is replaced by aspartic acid, an amino acid with highly similar properties. This amino acid position is conserved. In addition, the in silico prediction for this alteration is inconclusive. Based on the available evidence, the clinical significance of this alteration remains unclear.

Labcorp Genetics (formerly Invitae), Labcorp
Classification: Uncertain significance for Cystic fibrosis. Last evaluated: 2024-02-23. Review status: criteria provided, single submitter. Criteria: Invitae Variant Classification Sherloc (09022015). Collection method: clinical testing. Allele origin: germline.
Comment: This sequence change replaces glutamic acid, which is acidic and polar, with aspartic acid, which is acidic and polar, at codon 692 of the CFTR protein (p.Glu692Asp). This variant is not present in population databases (gnomAD no frequency). This variant has not been reported in the literature in individuals affected with CFTR-related conditions. Advanced modeling of protein sequence and biophysical properties (such as structural, functional, and spatial information, amino acid conservation, physicochemical variation, residue mobility, and thermodynamic stability) performed at Invitae indicates that this missense variant is not expected to disrupt CFTR protein function with a negative predictive value of 80%. In summary, the available evidence is currently insufficient to determine the role of this variant in disease. Therefore, it has been classified as a Variant of Uncertain Significance.

NM_000492.4(CFTR):c.2076G>C (p.Glu692Asp)

Gene: CFTR (CF transmembrane conductance regulator; plus strand). Cytogenetic location: 7q31.2.
Variant type: single nucleotide variant.
Coding change: c.2076G>C on transcript NM_000492.4 (MANE Select); coding-DNA position 2076, G replaced by C.
Protein change: p.Glu692Asp; replaces glutamic acid 692 with aspartic acid.
Molecular consequence: missense variant.
Genome position (GRCh38, 1-based): chr7:117,592,243, G>C. VCF-style: chr7-117592243-G-C. GRCh37 (hg19) VCF-style: chr7-117232297-G-C.
Other names: short protein forms E692D.
Identifiers: ClinVar variation 3231845 (VCV003231845.3), dbSNP rs2485109886, ClinGen allele CA368979568.